The following is an entry in ClinVar:

ClinVar aggregate classification (germline): Uncertain significance. Review status: criteria provided, multiple submitters, no conflicts (2 of 4 stars). 2 submissions from 2 submitters: Uncertain significance (2). Last evaluated 2026-04-22.

Conditions:
Inborn genetic diseases. Identifiers: MedGen C0950123, MeSH D030342.

Allele frequency attached by ClinVar (database versions not stated): gnomAD exomes below 0.00001.

Submissions (2):

Ambry Genetics
Classification: Uncertain significance for Inborn genetic diseases. Last evaluated: 2026-04-22. Review status: criteria provided, single submitter. Criteria: Ambry Variant Classification Scheme 2023. Collection method: clinical testing. Allele origin: germline.
Comment: The c.3236A>G (p.H1079R) alteration is located in exon 4 (coding exon 4) of the PRR12 gene. This alteration results from a A to G substitution at nucleotide position 3236, causing the histidine (H) at amino acid position 1079 to be replaced by an arginine (R). Based on data from gnomAD, the G allele has an overall frequency of <0.001% (0/224698) total alleles studied. The highest observed frequency was <0.001% (/) of alleles. Based on insufficient or conflicting evidence, the clinical significance of this alteration remains unclear.

Labcorp Genetics (formerly Invitae), Labcorp
Classification: Uncertain significance. Last evaluated: 2023-12-28. Review status: criteria provided, single submitter. Criteria: Invitae Variant Classification Sherloc (09022015). Collection method: clinical testing. Allele origin: germline.
Comment: This sequence change replaces histidine, which is basic and polar, with arginine, which is basic and polar, at codon 1079 of the PRR12 protein (p.His1079Arg). This variant is not present in population databases (gnomAD no frequency). This variant has not been reported in the literature in individuals affected with PRR12-related conditions. ClinVar contains an entry for this variant (Variation ID: 2164003). An algorithm developed to predict the effect of missense changes on protein structure and function (PolyPhen-2) suggests that this variant is likely to be disruptive. In summary, the available evidence is currently insufficient to determine the role of this variant in disease. Therefore, it has been classified as a Variant of Uncertain Significance.

NM_020719.3(PRR12):c.3236A>G (p.His1079Arg)

Gene: PRR12 (proline rich 12; plus strand). Cytogenetic location: 19q13.33.
Variant type: single nucleotide variant.
Coding change: c.3236A>G on transcript NM_020719.3 (MANE Select); coding-DNA position 3236, A replaced by G.
Protein change: p.His1079Arg; replaces histidine 1079 with arginine.
Molecular consequence: missense variant.
Genome position (GRCh38, 1-based): chr19:49,597,571, A>G. VCF-style: chr19-49597571-A-G. GRCh37 (hg19) VCF-style: chr19-50100828-A-G.
Other names: c.3236A>G (NM_020719.1); short protein forms H1079R.
Identifiers: ClinVar variation 2164003 (VCV002164003.5), dbSNP rs1290589629, ClinGen allele CA406879058.